The following is an entry in ClinVar:

ClinVar aggregate classification (germline): Uncertain significance (1 of 4 stars; one submission).

Conditions:
Hereditary cancer-predisposing syndrome. Also called: Neoplastic Syndromes, Hereditary; Tumor predisposition; Hereditary Cancer Syndrome; Hereditary neoplastic syndrome. Identifiers: Orphanet 140162, MedGen C0027672, MeSH D009386, MONDO:0015356.

gnomAD v4.1: 1 of 1,499,654 alleles (0.000067%); highest among the groups gnomAD compares: Non-Finnish European, 0.000089%; no homozygotes.

Submission:

Ambry Genetics
Classification: Uncertain significance for Hereditary cancer-predisposing syndrome. Last evaluated: 2026-03-30. Review status: criteria provided, single submitter. Criteria: Ambry Variant Classification Scheme 2023. Collection method: clinical testing. Allele origin: germline.
Comment: The c.-5G>C variant is located in the 5' untranslated region (5&rsquo; UTR) of the POLE gene. This variant results from a G to C substitution 5 bases upstream from the first translated codon. This nucleotide position is not well conserved in available vertebrate species. Based on the available evidence, the clinical significance of this variant remains unclear.

NM_006231.4(POLE):c.-5G>C

Genes: POLE (DNA polymerase epsilon, catalytic subunit; minus strand), LOC130009266 (ATAC-STARR-seq lymphoblastoid silent region 5123; plus strand). Cytogenetic location: 12q24.33.
Variant type: single nucleotide variant.
Coding change: c.-5G>C on transcript NM_006231.4 (MANE Select); 5 bases upstream of the start codon, G replaced by C.
Molecular consequence: 5 prime UTR variant.
Genome position (GRCh38, 1-based): chr12:132,687,320, C>G on the plus strand (G>C on the coding strand, the complement: POLE is on the minus strand). VCF-style: chr12-132687320-C-G. GRCh37 (hg19) VCF-style: chr12-133263906-C-G.
Identifiers: ClinVar variation 4862257 (VCV004862257.1).